The following is an entry in ClinVar:

ClinVar aggregate classification (germline): Likely pathogenic (0 of 4 stars; one submission).

Conditions:
Spinocerebellar ataxia type 14 (SCA14). Identifiers: Orphanet 98763, MedGen C1854369, MONDO:0011540, OMIM 605361.

Submission:

Solve-RD Consortium
Classification: Likely pathogenic for Spinocerebellar ataxia type 14. Last evaluated: 2022-06-01. Review status: no assertion criteria provided. Collection method: provider interpretation. Allele origin: inherited. Affected: yes.
Comment: Variant confirmed as disease-causing by referring clinical team

Variant identified during reanalysis of unsolved cases by the Solve-RD project. The Solve-RD project has received funding from the European Union’s Horizon 2020 research and innovation programme under grant agreement No 779257.

Literature cited by the submitters: PubMed 39825153.

NM_002739.5(PRKCG):c.457G>C (p.Asp153His)

Gene: PRKCG (protein kinase C gamma; plus strand). Cytogenetic location: 19q13.42.
Variant type: single nucleotide variant.
Coding change: c.457G>C on transcript NM_002739.5 (MANE Select); coding-DNA position 457, G replaced by C.
Protein change: p.Asp153His; replaces aspartic acid 153 with histidine.
Molecular consequence: missense variant.
Genome position (GRCh38, 1-based): chr19:53,889,945, G>C. VCF-style: chr19-53889945-G-C. GRCh37 (hg19) VCF-style: chr19-54393199-G-C.
Other names: c.457G>C, p.Asp153His (NM_001316329.2); short protein forms D153H.
Identifiers: ClinVar variation 3256732 (VCV003256732.1).